The following is an entry in ClinVar:

ClinVar aggregate classification (germline): Uncertain significance. Review status: criteria provided, multiple submitters, no conflicts (2 of 4 stars). 2 submissions from 2 submitters: Uncertain significance (2). Last evaluated 2024-09-15.

Conditions:
Inborn genetic diseases. Identifiers: MedGen C0950123, MeSH D030342.
Dyskeratosis congenita, autosomal dominant 6 (DKCA6). Identifiers: Orphanet 3322, MedGen C4225284, MONDO:0014690, OMIM 616553.

Submissions (2):

Ambry Genetics
Classification: Uncertain significance for Inborn genetic diseases. Last evaluated: 2024-09-15. Review status: criteria provided, single submitter. Criteria: Ambry Variant Classification Scheme 2023. Collection method: clinical testing. Allele origin: germline.
Comment: The p.S26R variant (also known as c.78C>A), located in coding exon 1 of the ACD gene, results from a C to A substitution at nucleotide position 78. The serine at codon 26 is replaced by arginine, an amino acid with dissimilar properties. This amino acid position is conserved. In addition, this alteration is predicted to be tolerated by in silico analysis. Since supporting evidence is limited at this time, the clinical significance of this alteration remains unclear.

Labcorp Genetics (formerly Invitae), Labcorp
Classification: Uncertain significance for Dyskeratosis congenita, autosomal dominant 6. Last evaluated: 2023-01-17. Review status: criteria provided, single submitter. Criteria: Invitae Variant Classification Sherloc (09022015). Collection method: clinical testing. Allele origin: germline.
Comment: In summary, the available evidence is currently insufficient to determine the role of this variant in disease. Therefore, it has been classified as a Variant of Uncertain Significance. Algorithms developed to predict the effect of missense changes on protein structure and function are either unavailable or do not agree on the potential impact of this missense change (SIFT: "Deleterious"; PolyPhen-2: "Benign"; Align-GVGD: "Class C0"). ClinVar contains an entry for this variant (Variation ID: 1761111). This variant has not been reported in the literature in individuals affected with ACD-related conditions. The frequency data for this variant in the population databases is considered unreliable, as metrics indicate poor data quality at this position in the gnomAD database. This sequence change replaces serine, which is neutral and polar, with arginine, which is basic and polar, at codon 26 of the ACD protein (p.Ser26Arg).

NC_000016.10:g.67660401G>T

Genes: ACD (ACD shelterin complex subunit and telomerase recruitment factor; minus strand), LOC130059224 (ATAC-STARR-seq lymphoblastoid silent region 7617; plus strand). Cytogenetic location: 16q22.1.
Variant type: single nucleotide variant.
Genome position: GRCh38 VCF-style: chr16-67660401-G-T. GRCh37 (hg19) VCF-style: chr16-67694304-G-T.
Other names: short protein forms S26R.
Identifiers: ClinVar variation 1761111 (VCV001761111.6), dbSNP rs142762905, ClinGen allele CA8114929.
Genomic context (GRCh38, chr16:67,660,401, plus strand): 5'-ACGTACACCCCGCGCCTGCGCACGAGGGCGTCCTGCTCGGGGGCCTGTGTGCAGACTCCC[G>T]CTGGTCCACCCCGCTGGTGCACGGGATGCTGGCCCGTTTACTCTCATCGCGGCGTCACTC-3'